The following is an entry in ClinVar:

NM_020928.2(ZSWIM6):c.616C>A (p.Pro206Thr)

Gene: ZSWIM6 (zinc finger SWIM-type containing 6; plus strand). Cytogenetic location: 5q12.1.
Variant type: single nucleotide variant.
Coding change: c.616C>A on transcript NM_020928.2 (MANE Select); coding-DNA position 616, C replaced by A.
Protein change: p.Pro206Thr; replaces proline 206 with threonine.
Molecular consequence: missense variant.
Genome position (GRCh38, 1-based): chr5:61,332,888, C>A. VCF-style: chr5-61332888-C-A. GRCh37 (hg19) VCF-style: chr5-60628715-C-A.
Other names: short protein forms P206T.
Identifiers: ClinVar variation 4072506 (VCV004072506.1).
Genomic context (GRCh38, chr5:61,332,888, plus strand): 5'-GCCGGGGCCCCGTCGGTGGGGGCTGCCGGGGCGGCGGACGGCGGCGACGAGACGCGGCTG[C>A]CTTTCCGCCGGGGCATCGCGCTGTTGGAAAGCGGCTGCGTAGACAACGTCCTGCAAGTCG-3'
Protein context (NP_065979.1, residues 196-216): AADGGDETRL[Pro206Thr]FRRGIALLES

ClinVar aggregate classification (germline): Uncertain significance (1 of 4 stars; one submission).

Submission:

GeneDx
Classification: Uncertain significance. Last evaluated: 2025-01-30. Review status: criteria provided, single submitter. Criteria: GeneDx Variant Classification Process June 2021. Collection method: clinical testing. Allele origin: germline. Affected: yes.
Comment: Not observed at significant frequency in large population cohorts (gnomAD); In silico analysis supports that this missense variant has a deleterious effect on protein structure/function; Has not been previously published as pathogenic or benign to our knowledge